The following is an entry in ClinVar:

NM_017849.4(TMEM127):c.244+6G>T

Gene: TMEM127 (transmembrane protein 127; minus strand). Cytogenetic location: 2q11.2.
Variant type: single nucleotide variant.
Coding change: c.244+6G>T on transcript NM_017849.4 (MANE Select); 6 bases into the intron after coding-DNA position 244, G replaced by T.
Molecular consequence: intron variant.
Genome position (GRCh38, 1-based): chr2:96,265,132, C>A on the plus strand (G>T on the coding strand, the complement: TMEM127 is on the minus strand). VCF-style: chr2-96265132-C-A. GRCh37 (hg19) VCF-style: chr2-96930870-C-A.
Other names: c.244+6G>T (NM_001193304.3).
Identifiers: ClinVar variation 681436 (VCV000681436.1), dbSNP rs1573977546, ClinGen allele CA915944082.

ClinVar aggregate classification (germline): Likely benign (1 of 4 stars; one submission).

Submission:

GeneDx
Classification: Likely benign. Last evaluated: 2018-03-29. Review status: criteria provided, single submitter. Criteria: GeneDx Variant Classification (06012015). Collection method: clinical testing. Allele origin: germline. Affected: yes.
Comment: This variant is considered likely benign or benign based on one or more of the following criteria: it is a conservative change, it occurs at a poorly conserved position in the protein, it is predicted to be benign by multiple in silico algorithms, and/or has population frequency not consistent with disease.